The following is an entry in ClinVar:

ClinVar aggregate classification (germline): Conflicting classifications of pathogenicity. Review status: criteria provided, conflicting classifications (1 of 4 stars). 3 submissions from 3 submitters: Uncertain significance (1); Benign (1); Likely benign (1). Last evaluated 2025-12-23.

Conditions:
Permanent neonatal diabetes mellitus-pancreatic and cerebellar agenesis syndrome. Also called: PANCREATIC AND CEREBELLAR AGENESIS. Identifiers: Orphanet 65288, MedGen C1836780, MONDO:0012192, OMIM 609069.
Neonatal insulin-dependent diabetes mellitus. Identifiers: MedGen C3278636, HP:0000857.

Allele frequency attached by ClinVar (database versions not stated): ESP Exome Variant Server 0.00008; gnomAD 0.00110 and 0.00255; TOPMed 0.00181; gnomAD exomes 0.00734; ExAC 0.00853; 1000 Genomes Project 30x 0.01405; 1000 Genomes Project 0.01438.
gnomAD v4.1: 4,607 of 1,588,030 alleles (0.29%); highest among the groups gnomAD compares: South Asian, 3.3%; 118 homozygotes.

Submissions (3):

Labcorp Genetics (formerly Invitae), Labcorp
Classification: Benign. Last evaluated: 2025-12-23. Review status: criteria provided, single submitter. Criteria: Invitae Variant Classification Sherloc (09022015). Collection method: clinical testing. Allele origin: germline.

Illumina Laboratory Services, Illumina
Classification: Likely benign for Permanent neonatal diabetes mellitus-pancreatic and cerebellar agenesis syndrome. Last evaluated: 2017-04-27. Review status: criteria provided, single submitter. Criteria: ICSL Variant Classification Criteria 13 December 2019. Collection method: clinical testing. Allele origin: germline.
Comment: This variant was observed as part of a predisposition screen in an ostensibly healthy population. A literature search was performed for the gene, cDNA change, and amino acid change (where applicable). No publications were found based on this search. Allele frequency data from public databases allowed determination this variant is unlikely to cause disease. Therefore, this variant is classified as likely benign.

Clinical Genomics, Uppaluri K&H Personalized Medicine Clinic
Classification: Uncertain significance for Neonatal insulin-dependent diabetes mellitus. Review status: criteria provided, single submitter. Criteria: K & H Uppaluri Personalized Medicine Clinic Variant Classification & Assertion Criteria_Updated V.1. Collection method: research. Allele origin: somatic. Inheritance: Autosomal dominant inheritance.
Comment: PTF1A gene is associated with neonatal onset diabetes due to pancreatic aplasia, leading to insulin dependence. It is associated with extra pancreatic manifestation of neurological impairment. However, the role of this particulat variant (rs117678424) in neonatal diabetes is yet to be ascertained.

Literature cited by the submitters: PubMed 18591390 (cited by Clinical Genomics, Uppaluri K&H Personalized Medicine Clinic); DOI 10.5812/ijp.114059 (cited by Clinical Genomics, Uppaluri K&H Personalized Medicine Clinic).

NM_178161.3(PTF1A):c.162C>T (p.Ser54=)

Gene: PTF1A (pancreas associated transcription factor 1a; plus strand). Cytogenetic location: 10p12.2.
Variant type: single nucleotide variant.
Coding change: c.162C>T on transcript NM_178161.3 (MANE Select); coding-DNA position 162, C replaced by T.
Protein change: p.Ser54=; no amino-acid change (serine 54 retained).
Molecular consequence: synonymous variant.
Genome position (GRCh38, 1-based): chr10:23,192,692, C>T. VCF-style: chr10-23192692-C-T. GRCh37 (hg19) VCF-style: chr10-23481621-C-T.
Identifiers: ClinVar variation 299622 (VCV000299622.15), dbSNP rs117678424, ClinGen allele CA5438578.
Genomic context (GRCh38, chr10:23,192,692, plus strand): 5'-CCCCCTGGAGGACGGCGATGAGCTGCTGGCGGACGAGCAGGCCGAGGTGGAGTTCCTTAG[C>T]CACCAGCTCCACGAGTACTGCTACCGCGACGGGGCGTGCCTGCTGCTGCAGCCCGCGCCC-3'
Protein context (NP_835455.1, residues 44-64): ADEQAEVEFL[Ser54=]HQLHEYCYRD